The following is an entry in ClinVar:

NM_001378418.1(TCF20):c.4228G>T (p.Gly1410Cys)

Gene: TCF20 (transcription factor 20; minus strand). Cytogenetic location: 22q13.2.
Variant type: single nucleotide variant.
Coding change: c.4228G>T on transcript NM_001378418.1 (MANE Select); coding-DNA position 4228, G replaced by T.
Protein change: p.Gly1410Cys; replaces glycine 1410 with cysteine.
Molecular consequence: missense variant.
Genome position (GRCh38, 1-based): chr22:42,211,078, C>A on the plus strand (G>T on the coding strand, the complement: TCF20 is on the minus strand). VCF-style: chr22-42211078-C-A. GRCh37 (hg19) VCF-style: chr22-42607084-C-A.
Other names: c.4228G>T, p.Gly1410Cys (NM_005650.4, NM_181492.3); short protein forms G1410C.
Identifiers: ClinVar variation 3026804 (VCV003026804.22), dbSNP rs2518208513, ClinGen allele CA411784774.

ClinVar aggregate classification (germline): Uncertain significance (1 of 4 stars; one submission).

gnomAD v4.1: 2 of 1,614,156 alleles (0.00012%); highest among the groups gnomAD compares: Non-Finnish European, 0.00017%; no homozygotes.

Submission:

CeGaT Center for Human Genetics Tuebingen
Classification: Uncertain significance. Last evaluated: 2024-01-01. Review status: criteria provided, single submitter. Criteria: CeGaT Center For Human Genetics Tuebingen Variant Classification Criteria Version 2. Collection method: clinical testing. Allele origin: germline. Affected: yes. Observed: 1 variant allele.
Comment: TCF20: PM2, BP4